The following is an entry in ClinVar:

NM_001270.4(CHD1):c.2087G>A (p.Arg696His)

Gene: CHD1 (chromodomain helicase DNA binding protein 1; minus strand). Cytogenetic location: 5q15.
Variant type: single nucleotide variant.
Coding change: c.2087G>A on transcript NM_001270.4 (MANE Select); coding-DNA position 2087, G replaced by A.
Protein change: p.Arg696His; replaces arginine 696 with histidine.
Molecular consequence: missense variant. On other transcripts: non-coding transcript variant (2).
Genome position (GRCh38, 1-based): chr5:98,892,618, C>T on the plus strand (G>A on the coding strand, the complement: CHD1 is on the minus strand). VCF-style: chr5-98892618-C-T. GRCh37 (hg19) VCF-style: chr5-98228322-C-T.
Other names: c.2087G>A, p.Arg696His (NM_001364113.3, NM_001376194.2); short protein forms R696H.
Identifiers: ClinVar variation 3390695 (VCV003390695.1).
Genomic context (GRCh38, chr5:98,892,618, plus strand): 5'-ATTCTTAAAATCTGCTCAACCTTGGCAGGAAGAGATTTTTCCACATCTTTCTTAACTCGG[C>T]GTAACAGAAATGGCTCAAGCTCCTTGTGAAGGCTTGCATAACCATATTCTCTCCCTTTGC-3'
Protein context (NP_001261.2, residues 686-706): LHKELEPFLL[Arg696His]RVKKDVEKSL

ClinVar aggregate classification (germline): Uncertain significance (1 of 4 stars; one submission).

Submission:

GeneDx
Classification: Uncertain significance. Last evaluated: 2024-06-12. Review status: criteria provided, single submitter. Criteria: GeneDx Variant Classification Process June 2021. Collection method: clinical testing. Allele origin: germline. Affected: yes.
Comment: Not observed at significant frequency in large population cohorts (gnomAD); In silico analysis supports that this missense variant has a deleterious effect on protein structure/function; Has not been previously published as pathogenic or benign to our knowledge